The following is an entry in ClinVar:

NM_001267550.2(TTN):c.96158_96177dup (p.Ile32060fs)

Genes: TTN (titin; minus strand), TTN-AS1 (TTN antisense RNA 1; plus strand), LOC126806421 (CDK7 strongly-dependent group 2 enhancer GRCh37_chr2:179407630-179408829; plus strand). Cytogenetic location: 2q31.2.
Variant type: Duplication.
Coding change: c.96158_96177dup on transcript NM_001267550.2 (MANE Select); coding-DNA positions 96158 to 96177, 20 bases duplicated (TTGACCTTGCAAGCCGGGCA).
Protein change: p.Ile32060fs; shifts the reading frame from isoleucine 32060.
Molecular consequence: frameshift variant.
Genome position (GRCh38, 1-based): chr2:178,543,967-178,543,986, TGCCCGGCTTGCAAGGTCAA duplicated on the plus strand (TTGACCTTGCAAGCCGGGCA on the coding strand, the reverse complement: TTN is on the minus strand); duplicating any 20 consecutive bases within chr2:178,543,967-178,543,991 gives the same sequence; the c. name uses the placement nearest the transcript's 3' end. VCF-style (leftmost placement, unchanged base first): chr2-178543966-T-TTGCCCGGCTTGCAAGGTCAA. GRCh37 (hg19) VCF-style: chr2-179408693-T-TTGCCCGGCTTGCAAGGTCAA.
Other names: c.91235_91254dup, p.Ile30419fs (NM_001256850.1); c.68963_68982dup, p.Ile22995fs (NM_003319.4); c.88454_88473dup, p.Ile29492fs (NM_133378.4); c.69338_69357dup, p.Ile23120fs (NM_133432.3); c.69539_69558dup, p.Ile23187fs (NM_133437.4); short protein forms I23120fs, I29492fs, I30419fs, I32060fs, I22995fs, I23187fs.
Identifiers: ClinVar variation 2944376 (VCV002944376.3), dbSNP rs2468952447, ClinGen allele CA2740095972.

ClinVar aggregate classification (germline): Likely pathogenic (1 of 4 stars; one submission).

Conditions:
Dilated cardiomyopathy 1G (CMD1G). Identifiers: Orphanet 154, MedGen C1858763, MONDO:0011400, OMIM 604145.
Autosomal recessive limb-girdle muscular dystrophy type 2J (LGMDR10). Also called: MUSCULAR DYSTROPHY, LIMB-GIRDLE, AUTOSOMAL RECESSIVE 10; Limb-girdle muscular dystrophy, type 2J. Identifiers: Orphanet 140922, MedGen C1837342, MONDO:0012127, OMIM 608807.

Submission:

Labcorp Genetics (formerly Invitae), Labcorp
Classification: Likely pathogenic for Dilated cardiomyopathy 1G; Autosomal recessive limb-girdle muscular dystrophy type 2J. Last evaluated: 2025-02-09. Review status: criteria provided, single submitter. Criteria: Invitae Variant Classification Sherloc (09022015). Collection method: clinical testing. Allele origin: germline.
Comment: This sequence change creates a premature translational stop signal (p.Ile32060Leufs*18) in the TTN gene. While this is not anticipated to result in nonsense mediated decay, it is expected to create a truncated TTN protein. This variant is not present in population databases (gnomAD no frequency). This variant has not been reported in the literature in individuals affected with TTN-related conditions. ClinVar contains an entry for this variant (Variation ID: 2944376). This variant is located in the A band of TTN (PMID: 25589632). Truncating variants in this region are significantly overrepresented in patients affected with dilated cardiomyopathy (PMID: 25589632). Truncating variants in this region have also been reported in individuals affected with autosomal recessive centronuclear myopathy (PMID: 23975875). In summary, the currently available evidence indicates that the variant is pathogenic, but additional data are needed to prove that conclusively. Therefore, this variant has been classified as Likely Pathogenic.

Literature cited by the submitters: PubMed 25589632; PubMed 23975875.